The following is an entry in ClinVar:

NM_004984.4(KIF5A):c.23G>T (p.Cys8Phe)

Gene: KIF5A (kinesin family member 5A; plus strand). Cytogenetic location: 12q13.3.
Variant type: single nucleotide variant.
Coding change: c.23G>T on transcript NM_004984.4 (MANE Select); coding-DNA position 23, G replaced by T.
Protein change: p.Cys8Phe; replaces cysteine 8 with phenylalanine.
Molecular consequence: missense variant.
Genome position (GRCh38, 1-based): chr12:57,550,294, G>T. VCF-style: chr12-57550294-G-T. GRCh37 (hg19) VCF-style: chr12-57944077-G-T.
Other names: c.23G>T, p.Cys8Phe (NM_001354705.2); short protein forms C8F.
Identifiers: ClinVar variation 2631174 (VCV002631174.1), dbSNP rs940856567, ClinGen allele CA385495700.

ClinVar aggregate classification (germline): Uncertain significance (1 of 4 stars; one submission).

Conditions:
KIF5A-related disorder. Also called: KIF5A-related condition; KIF5A-related disorders.

Submission:

PreventionGenetics, part of Exact Sciences
Classification: Uncertain significance for KIF5A-related condition. Last evaluated: 2023-08-03. Review status: criteria provided, single submitter. Criteria: ACMG Guidelines, 2015. Collection method: clinical testing. Allele origin: germline.
Comment: The KIF5A c.23G>T variant is predicted to result in the amino acid substitution p.Cys8Phe. To our knowledge, this variant has not been reported in the literature or in a large population database, indicating this variant is rare. At this time, the clinical significance of this variant is uncertain due to the absence of conclusive functional and genetic evidence.